The following is an entry in ClinVar:

ClinVar aggregate classification (germline): Uncertain significance (1 of 4 stars; one submission).

Conditions:
Developmental and epileptic encephalopathy, 23 (DEE23). Also called: Epileptic encephalopathy, early infantile, 23. Identifiers: Orphanet 411986, MedGen C4014492, MONDO:0014371, OMIM 615859.

Submission:

Labcorp Genetics (formerly Invitae), Labcorp
Classification: Uncertain significance for Developmental and epileptic encephalopathy, 23. Last evaluated: 2022-08-12. Review status: criteria provided, single submitter. Criteria: Invitae Variant Classification Sherloc (09022015). Collection method: clinical testing. Allele origin: germline.
Comment: This variant, c.36_38del, results in the deletion of 1 amino acid(s) of the DOCK7 protein (p.Ser12del), but otherwise preserves the integrity of the reading frame. The frequency data for this variant in the population databases is considered unreliable, as metrics indicate poor data quality at this position in the gnomAD database. This variant has not been reported in the literature in individuals affected with DOCK7-related conditions. Algorithms developed to predict the effect of sequence changes on RNA splicing suggest that this variant may disrupt the consensus splice site. In summary, the available evidence is currently insufficient to determine the role of this variant in disease. Therefore, it has been classified as a Variant of Uncertain Significance.

NM_001367561.1(DOCK7):c.33CAG[1] (p.Ser12del)

Genes: DOCK7 (dedicator of cytokinesis 7; minus strand), LOC129930655 (ATAC-STARR-seq lymphoblastoid silent region 946; plus strand). Cytogenetic location: 1p31.3.
Variant type: Microsatellite.
Coding change: c.33CAG[1] on transcript NM_001367561.1 (MANE Select); one copy of the 3-base unit CAG starting at c.33; the reference has two copies in a row; one copy, 3 bases deleted.
Protein change: p.Ser12del; deletes serine 12.
Molecular consequence: inframe deletion.
Genome position (GRCh38, 1-based): chr1:62,688,227-62,688,229, CTG deleted on the plus strand (CAG on the coding strand, the reverse complement: DOCK7 is on the minus strand); deleting any 3 consecutive bases within chr1:62,688,227-62,688,232 gives the same sequence; the position shown is the placement nearest the transcript's 3' end. VCF-style (leftmost placement, unchanged base first): chr1-62688226-CCTG-C. GRCh37 (hg19) VCF-style: chr1-63153897-CCTG-C.
Other names: c.33CAG[1], p.Ser12del (NM_001271999.2, NM_001272000.2, NM_001272001.2 and 3 more transcripts); short protein forms S12del.
Identifiers: ClinVar variation 1036362 (VCV001036362.6), dbSNP rs1219264955, ClinGen allele CA523635450.